The following is an entry in ClinVar:

NM_000440.3(PDE6A):c.1016A>T (p.His339Leu)

Gene: PDE6A (phosphodiesterase 6A; minus strand). Cytogenetic location: 5q32.
Variant type: single nucleotide variant.
Coding change: c.1016A>T on transcript NM_000440.3 (MANE Select); coding-DNA position 1016, A replaced by T.
Protein change: p.His339Leu; replaces histidine 339 with leucine.
Molecular consequence: missense variant.
Genome position (GRCh38, 1-based): chr5:149,907,361, T>A on the plus strand (A>T on the coding strand, the complement: PDE6A is on the minus strand). VCF-style: chr5-149907361-T-A. GRCh37 (hg19) VCF-style: chr5-149286924-T-A.
Other names: short protein forms H339L.
Identifiers: ClinVar variation 1481808 (VCV001481808.7), dbSNP rs755174137, ClinGen allele CA129078178.
Genomic context (GRCh38, chr5:149,907,361, plus strand): 5'-ATATTACTTACCAGGCCATTCTGGGCAACATAAGCTGGGAGACCGCTTACTAAAGCCCAA[T>A]GGTCAGGAGGTGGATTCCTGTGAAGGCCAAAGACAAAACGGTGACTCTCAGTGCAGGGAT-3'
Protein context (NP_000431.2, residues 329-349): IKVIPNPPPD[His339Leu]WALVSGLPAY

ClinVar aggregate classification (germline): Uncertain significance (1 of 4 stars; one submission).

Allele frequency attached by ClinVar (database versions not stated): gnomAD exomes below 0.00001.
gnomAD v4.1: 3 of 1,614,052 alleles (0.00019%); highest among the groups gnomAD compares: Non-Finnish European, 0.00025%; no homozygotes.

Submissions (2):

Labcorp Genetics (formerly Invitae), Labcorp
Classification: Uncertain significance. Last evaluated: 2021-07-28. Review status: criteria provided, single submitter. Criteria: Invitae Variant Classification Sherloc (09022015). Collection method: clinical testing. Allele origin: germline.
Comment: In summary, the available evidence is currently insufficient to determine the role of this variant in disease. Therefore, it has been classified as a Variant of Uncertain Significance. Algorithms developed to predict the effect of missense changes on protein structure and function are either unavailable or do not agree on the potential impact of this missense change (SIFT: "Deleterious"; PolyPhen-2: "Probably Damaging"; Align-GVGD: "Class C15"). This missense change has been observed in individual(s) with retinitis pigmentosa (Invitae). This variant is not present in population databases (ExAC no frequency). This sequence change replaces histidine with leucine at codon 339 of the PDE6A protein (p.His339Leu). The histidine residue is highly conserved and there is a moderate physicochemical difference between histidine and leucine.

Dr. Peter K. Rogan Lab, Western University
No classification provided (evidence only). Condition: Ovarian serous cystadenocarcinoma. Review status: no classification provided. Collection method: in vitro. Allele origin: not applicable. Functional consequence: retained intron. Not counted in ClinVar's aggregate classification.